The following is an entry in ClinVar:

ClinVar aggregate classification (germline): Pathogenic (1 of 4 stars; one submission).

Conditions:
KBG syndrome (KBGS). Also called: ANKRD11-Related KBG Syndrome. Identifiers: Orphanet 2332, MedGen C0220687, MONDO:0007846, OMIM 148050.

Submission:

Human Genome Sequencing Center Clinical Lab, Baylor College of Medicine
Classification: Pathogenic for KBG syndrome. Last evaluated: 2025-08-26. Review status: criteria provided, single submitter. Criteria: ACMG Guidelines, 2015. Collection method: clinical testing. Allele origin: de novo. Affected: yes.
Comment: The c.2366_2367del (p.Lys789ArgfsTer7) variant in ANKRD11 gene is located in exon 9 and introduces a premature translation termination codon, resulting in an absent or disrupted protein product. To our knowledge, this variant has not been reported in literature. Loss-of-function variants downstream of this variant, have been reported in individuals affected with KBG syndrome (PMID: 27667800, 32124548, 25652421) and classified as pathogenic by multiple submitters in ClinVar. This variant is absent in the general population database, gnomAD v4.1.0. Therefore, the c.2366_2367del (p.Lys789ArgfsTer7) variant in ANKRD11 gene is classified as pathogenic.

Literature cited by the submitters: PubMed 27667800; PubMed 32124548; PubMed 25652421.

NM_013275.6(ANKRD11):c.2366_2367del (p.Lys789fs)

Gene: ANKRD11 (ankyrin repeat domain 11; minus strand). Cytogenetic location: 16q24.3.
Variant type: Deletion.
Coding change: c.2366_2367del on transcript NM_013275.6 (MANE Select); coding-DNA positions 2366 to 2367, 2 bases deleted (AA; older notation c.2366_2367delAA).
Protein change: p.Lys789fs; shifts the reading frame from lysine 789.
Molecular consequence: frameshift variant.
Genome position (GRCh38, 1-based): chr16:89,284,175-89,284,176, TT deleted on the plus strand (AA on the coding strand, the reverse complement: ANKRD11 is on the minus strand); deleting any 2 consecutive bases within chr16:89,284,175-89,284,178 gives the same sequence; the c. name uses the placement nearest the transcript's 3' end. VCF-style (leftmost placement, unchanged base first): chr16-89284174-CTT-C. GRCh37 (hg19) VCF-style: chr16-89350582-CTT-C.
Other names: c.2366_2367del, p.Lys789fs (NM_001256182.2, NM_001256183.2); short protein forms K789fs.
Identifiers: ClinVar variation 4819195 (VCV004819195.1).